The following is an entry in ClinVar:

ClinVar aggregate classification (germline): Uncertain significance (1 of 4 stars; one submission).

Conditions:
Peutz-Jeghers syndrome (PJS). Also called: Peutz-Jeghers polyposis; Periorificial lentiginosis syndrome; POLYPOSIS, HAMARTOMATOUS INTESTINAL; POLYPS-AND-SPOTS SYNDROME. Identifiers: Orphanet 2869, MedGen C0031269, MeSH D010580, MONDO:0008280, OMIM 175200.

Submission:

Labcorp Genetics (formerly Invitae), Labcorp
Classification: Uncertain significance for Peutz-Jeghers syndrome. Last evaluated: 2020-04-16. Review status: criteria provided, single submitter. Criteria: Invitae Variant Classification Sherloc (09022015). Collection method: clinical testing. Allele origin: germline.
Comment: This variant has not been reported in the literature in individuals with STK11-related disease. Algorithms developed to predict the effect of missense changes on protein structure and function do not agree on the potential impact of this missense change (SIFT: "Tolerated"; PolyPhen-2: "Probably Damaging"; Align-GVGD: "Class C0"). In summary, the available evidence is currently insufficient to determine the role of this variant in disease. Therefore, it has been classified as a Variant of Uncertain Significance. This variant is not present in population databases (ExAC no frequency). This sequence change replaces glycine with glutamic acid at codon 370 of the STK11 protein (p.Gly370Glu). The glycine residue is highly conserved and there is a moderate physicochemical difference between glycine and glutamic acid.

NM_000455.5(STK11):c.1109G>A (p.Gly370Glu)

Gene: STK11 (serine/threonine kinase 11; plus strand). Cytogenetic location: 19p13.3.
Variant type: single nucleotide variant.
Coding change: c.1109G>A on transcript NM_000455.5 (MANE Select); coding-DNA position 1109, G replaced by A.
Protein change: p.Gly370Glu; replaces glycine 370 with glutamic acid.
Molecular consequence: missense variant.
Genome position (GRCh38, 1-based): chr19:1,226,454, G>A. VCF-style: chr19-1226454-G-A. GRCh37 (hg19) VCF-style: chr19-1226453-G-A.
Other names: short protein forms G370E.
Identifiers: ClinVar variation 569617 (VCV000569617.8), dbSNP rs1568716651, ClinGen allele CA402953096.